The following is an entry in ClinVar:

ClinVar aggregate classification (germline): Uncertain significance (1 of 4 stars; one submission).

Submission:

GeneDx
Classification: Uncertain significance. Last evaluated: 2025-02-21. Review status: criteria provided, single submitter. Criteria: GeneDx Variant Classification Process June 2021. Collection method: clinical testing. Allele origin: germline. Affected: yes.
Comment: Not observed at significant frequency in large population cohorts (gnomAD); In silico analysis supports that this missense variant has a deleterious effect on protein structure/function; Has not been previously published as pathogenic or benign to our knowledge

NM_001099922.3(ALG13):c.1035C>G (p.His345Gln)

Gene: ALG13 (ALG13 UDP-N-acetylglucosaminyltransferase subunit; plus strand). Cytogenetic location: Xq23.
Variant type: single nucleotide variant.
Coding change: c.1035C>G on transcript NM_001099922.3 (MANE Select); coding-DNA position 1035, C replaced by G.
Protein change: p.His345Gln; replaces histidine 345 with glutamine.
Molecular consequence: missense variant. On other transcripts: non-coding transcript variant (1).
Genome position (GRCh38, 1-based): chrX:111,717,875, C>G. VCF-style: chrX-111717875-C-G. GRCh37 (hg19) VCF-style: chrX-110961103-C-G.
Other names: c.723C>G, p.His241Gln (NM_001257230.2, NM_001257234.2, NM_001257237.2 and 1 more transcripts); c.801C>G, p.His267Gln (NM_001257231.2); c.1035C>G, p.His345Gln (NM_001324292.2); short protein forms H241Q, H267Q, H345Q.
Identifiers: ClinVar variation 4076921 (VCV004076921.1).